The following is an entry in ClinVar:

NM_015450.3(POT1):c.163G>A (p.Val55Ile)

Gene: POT1 (protection of telomeres 1; minus strand). Cytogenetic location: 7q31.33.
Variant type: single nucleotide variant.
Coding change: c.163G>A on transcript NM_015450.3 (MANE Select); coding-DNA position 163, G replaced by A.
Protein change: p.Val55Ile; replaces valine 55 with isoleucine.
Molecular consequence: missense variant. On other transcripts: non-coding transcript variant (3), intron variant (1).
Genome position (GRCh38, 1-based): chr7:124,871,003, C>T on the plus strand (G>A on the coding strand, the complement: POT1 is on the minus strand). VCF-style: chr7-124871003-C-T. GRCh37 (hg19) VCF-style: chr7-124511057-C-T.
Other names: c.-138-7363G>A (NM_001042594.2); c.163G>A (NM_015450.2); short protein forms V55I.
Identifiers: ClinVar variation 1439067 (VCV001439067.9), dbSNP rs2116567668, ClinGen allele CA369061607.

ClinVar aggregate classification (germline): Uncertain significance. Review status: criteria provided, multiple submitters, no conflicts (2 of 4 stars). 2 submissions from 2 submitters: Uncertain significance (2). Last evaluated 2023-05-01.

Conditions:
Tumor predisposition syndrome 3 (TPDS3). Also called: LONG TELOMERE SYNDROME, POT1-RELATED; POT1 Tumor Predisposition; Glioma susceptibility 9; Melanoma, cutaneous malignant, susceptibility to, 10. Identifiers: Orphanet 618, MedGen C4014476, MONDO:0014368, OMIM 615848.
Hereditary cancer-predisposing syndrome. Also called: Hereditary Cancer Syndrome; Neoplastic Syndromes, Hereditary; Hereditary neoplastic syndrome; Tumor predisposition. Identifiers: Orphanet 140162, MedGen C0027672, MeSH D009386, MONDO:0015356.

Submissions (2):

Labcorp Genetics (formerly Invitae), Labcorp
Classification: Uncertain significance for Tumor predisposition syndrome 3. Last evaluated: 2023-05-01. Review status: criteria provided, single submitter. Criteria: Invitae Variant Classification Sherloc (09022015). Collection method: clinical testing. Allele origin: germline.
Comment: This sequence change replaces valine, which is neutral and non-polar, with isoleucine, which is neutral and non-polar, at codon 55 of the POT1 protein (p.Val55Ile). This variant is not present in population databases (gnomAD no frequency). This variant has not been reported in the literature in individuals affected with POT1-related conditions. ClinVar contains an entry for this variant (Variation ID: 1439067). Advanced modeling of protein sequence and biophysical properties (such as structural, functional, and spatial information, amino acid conservation, physicochemical variation, residue mobility, and thermodynamic stability) performed at Invitae indicates that this missense variant is not expected to disrupt POT1 protein function. In summary, the available evidence is currently insufficient to determine the role of this variant in disease. Therefore, it has been classified as a Variant of Uncertain Significance.

Ambry Genetics
Classification: Uncertain significance for Hereditary cancer-predisposing syndrome. Last evaluated: 2023-02-16. Review status: criteria provided, single submitter. Criteria: Ambry Variant Classification Scheme 2023. Collection method: clinical testing. Allele origin: germline.
Comment: The p.V55I variant (also known as c.163G>A), located in coding exon 3 of the POT1 gene, results from a G to A substitution at nucleotide position 163. The valine at codon 55 is replaced by isoleucine, an amino acid with highly similar properties. This amino acid position is conserved. In addition, this alteration is predicted to be tolerated by in silico analysis. Since supporting evidence is limited at this time, the clinical significance of this alteration remains unclear.